The following is an entry in ClinVar:

NM_024876.4(COQ8B):c.344T>C (p.Met115Thr)

Gene: COQ8B (coenzyme Q8B; minus strand). Cytogenetic location: 19q13.2.
Variant type: single nucleotide variant.
Coding change: c.344T>C on transcript NM_024876.4 (MANE Select); coding-DNA position 344, T replaced by C.
Protein change: p.Met115Thr; replaces methionine 115 with threonine.
Molecular consequence: missense variant.
Genome position (GRCh38, 1-based): chr19:40,710,082, A>G on the plus strand (T>C on the coding strand, the complement: COQ8B is on the minus strand). VCF-style: chr19-40710082-A-G. GRCh37 (hg19) VCF-style: chr19-41215987-A-G.
Other names: c.344T>C, p.Met115Thr (NM_001142555.3); short protein forms M115T.
Identifiers: ClinVar variation 714789 (VCV000714789.14), dbSNP rs148374624, ClinGen allele CA9450456.

ClinVar aggregate classification (germline): Likely benign. Review status: criteria provided, multiple submitters, no conflicts (2 of 4 stars). 4 submissions from 4 submitters: Likely benign (2). 2 of the submissions do not count toward it. Last evaluated 2025-12-27.

Conditions:
COQ8B-related disorder. Also called: COQ8B-related condition.

Allele frequency attached by ClinVar (database versions not stated): gnomAD exomes 0.00012 and 0.00025; ExAC 0.00035; gnomAD 0.00137 and 0.00147; TOPMed 0.00152; ESP Exome Variant Server 0.00169; 1000 Genomes Project 30x 0.00172; 1000 Genomes Project 0.00180.

Submissions (4):

Labcorp Genetics (formerly Invitae), Labcorp
Classification: Likely benign. Last evaluated: 2025-12-27. Review status: criteria provided, single submitter. Criteria: Invitae Variant Classification Sherloc (09022015). Collection method: clinical testing. Allele origin: germline.

GeneDx
Classification: Likely benign. Last evaluated: 2020-12-28. Review status: criteria provided, single submitter. Criteria: GeneDx Variant Classification Process June 2021. Collection method: clinical testing. Allele origin: germline. Affected: yes.

Genetic Services Laboratory, University of Chicago
Classification: Uncertain significance. Last evaluated: 2022-08-23. Review status: no assertion criteria provided. Collection method: clinical testing. Allele origin: germline. Affected: no. Not counted in ClinVar's aggregate classification.
Comment: DNA sequence analysis of the COQ8B gene demonstrated a sequence change, c.344T>C, in exon 5 that results in an amino acid change, p.Met115Thr. This sequence change does not appear to have been previously described in individuals with COQ8B-related disorders. This sequence change has been described in the gnomAD database with a frequency of 0.37% in the African subpopulation and 0.035% in the overall population (dbSNP rs148374624). The p.Met115Thr change affects a poorly conserved amino acid residue located in a domain of the COQ8B protein that is not known to be functional. In-silico pathogenicity prediction tools (SIFT, PolyPhen2, Align GVGD, REVEL) provide contradictory results for the p.Met115Thr substitution. Due to insufficient evidences and the lack of functional studies, the clinical significance of the p.Met115Thr change remains unknown at this time.

PreventionGenetics, part of Exact Sciences
Classification: Likely benign for COQ8B-related condition. Last evaluated: 2022-02-23. Review status: no assertion criteria provided. Collection method: clinical testing. Allele origin: germline. Not counted in ClinVar's aggregate classification.
Comment: This variant is classified as likely benign based on ACMG/AMP sequence variant interpretation guidelines (Richards et al. 2015 PMID: 25741868, with internal and published modifications).